The following is an entry in ClinVar:

ClinVar aggregate classification (germline): Pathogenic/Likely pathogenic. Review status: criteria provided, multiple submitters, no conflicts (2 of 4 stars). 4 submissions from 4 submitters: Pathogenic (3); Likely pathogenic (1). Last evaluated 2026-01-20.

Conditions:
CFTR-related disorder (CFTR-RD). Also called: CFTR-related disorders; CFTR-related condition. Identifiers: MedGen C5924204, MONDO:7770004.
Cystic fibrosis (CF). Also called: MUCOVISCIDOSIS. Identifiers: Orphanet 586, MedGen C0010674, MONDO:0009061, OMIM 219700. Disease mechanism: loss of function.

Submissions (4):

Natera, Inc.
Classification: Likely pathogenic for CFTR-related disorders. Last evaluated: 2026-01-20. Review status: criteria provided, single submitter. Criteria: Natera Variant Classification Schema (03/2026). Collection method: clinical testing. Allele origin: germline.
Comment: The c.3697_3698delTC variant in CFTR is a frameshift variant predicted to shift the reading frame beginning at codon 1233 and leads to a stop codon 31 codons downstream. This variant is expected to result in nonsense mediated decay, truncation, or a dysfunctional protein product. This variant is rare in the general population with a frequency below the threshold expected for the associated phenotype(s). Given the available evidence, this variant is classified as Likely Pathogenic.

Labcorp Genetics (formerly Invitae), Labcorp
Classification: Pathogenic for Cystic fibrosis. Last evaluated: 2025-04-08. Review status: criteria provided, single submitter. Criteria: Invitae Variant Classification Sherloc (09022015). Collection method: clinical testing. Allele origin: germline.
Comment: This sequence change creates a premature translational stop signal (p.Ser1233Asnfs*31) in the CFTR gene. It is expected to result in an absent or disrupted protein product. Loss-of-function variants in CFTR are known to be pathogenic (PMID: 1695717, 7691345, 9725922). This variant is not present in population databases (gnomAD no frequency). This premature translational stop signal has been observed in individual(s) with cystic fibrosis (PMID: 34782259). For these reasons, this variant has been classified as Pathogenic.

Women's Health and Genetics/Laboratory Corporation of America, LabCorp
Classification: Pathogenic for Cystic fibrosis. Last evaluated: 2024-04-10. Review status: criteria provided, single submitter. Criteria: LabCorp Variant Classification Summary - May 2015. Collection method: clinical testing. Allele origin: germline.
Comment: Variant summary: CFTR c.3697_3698delTC (p.Ser1233AsnfsX31) results in a premature termination codon, predicted to cause absence of the protein due to nonsense mediated decay, which is a commonly known mechanism for disease. The variant was absent in 248800 control chromosomes (gnomAD). c.3697_3698delTC has been reported in the literature in at least one individual affected with Cystic Fibrosis (e.g. Raraigh_2022). To our knowledge, no experimental evidence demonstrating an impact on protein function has been reported. The following publication has been ascertained in the context of this evaluation (PMID: 34782259). ClinVar contains an entry for this variant (Variation ID: 2562532). Based on the evidence outlined above, the variant was classified as pathogenic.

Ambry Genetics
Classification: Pathogenic for Cystic fibrosis. Last evaluated: 2023-05-17. Review status: criteria provided, single submitter. Criteria: Ambry Variant Classification Scheme 2023. Collection method: clinical testing. Allele origin: germline.
Comment: The c.3697_3698delTC pathogenic mutation, located in coding exon 22 of the CFTR gene, results from a deletion of two nucleotides at nucleotide positions 3697 to 3698, causing a translational frameshift with a predicted alternate stop codon (p.S1233Nfs*31). This variant was identified in one allele in a cystic fibrosis cohort; specific genotype and phenotype information was not provided (Raraigh KS et al. J Cyst Fibros, 2022 May;21:463-470). This variant is considered to be rare based on population cohorts in the Genome Aggregation Database (gnomAD). This alteration is expected to result in loss of function by premature protein truncation or nonsense-mediated mRNA decay. As such, this alteration is interpreted as a disease-causing mutation.

Literature cited by the submitters: PubMed 1695717 (cited by Labcorp Genetics (formerly Invitae), Labcorp); PubMed 7691345 (cited by Labcorp Genetics (formerly Invitae), Labcorp); PubMed 9725922 (cited by Labcorp Genetics (formerly Invitae), Labcorp); PubMed 34782259 (cited by 3 submitters).

NM_000492.4(CFTR):c.3697_3698del (p.Ser1233fs)

Genes: CFTR (CF transmembrane conductance regulator; plus strand), CFTR-AS2 (CFTR antisense RNA 2; minus strand). Cytogenetic location: 7q31.2.
Variant type: Microsatellite.
Coding change: c.3697_3698del on transcript NM_000492.4 (MANE Select); coding-DNA positions 3697 to 3698, 2 bases deleted (TC; older notation c.3697_3698delTC).
Protein change: p.Ser1233fs; shifts the reading frame from serine 1233.
Molecular consequence: frameshift variant.
Genome position (GRCh38, 1-based): chr7:117,627,750-117,627,751, TC deleted; deleting any 2 consecutive bases within chr7:117,627,748-117,627,751 gives the same sequence; the c. name uses the placement nearest the transcript's 3' end. VCF-style (leftmost placement, unchanged base first): chr7-117627747-TTC-T. GRCh37 (hg19) VCF-style: chr7-117267801-TTC-T.
Other names: c.3695_3696TC[1], p.Ser1233Asnfs (NM_000492.3); c.3697_3698delTC (NM_000492.3, NM_000492.4); short protein forms S1233fs.
Identifiers: ClinVar variation 2562532 (VCV002562532.5), dbSNP rs1792676538, ClinGen allele CA915940567.